The following is an entry in ClinVar:

ClinVar aggregate classification (germline): Uncertain significance (1 of 4 stars; one submission).

gnomAD v4.1: 2 of 1,610,654 alleles (0.00012%); highest among the groups gnomAD compares: Admixed American, 0.0017%; no homozygotes.

Submission:

Labcorp Genetics (formerly Invitae), Labcorp
Classification: Uncertain significance. Last evaluated: 2021-12-28. Review status: criteria provided, single submitter. Criteria: Invitae Variant Classification Sherloc (09022015). Collection method: clinical testing. Allele origin: germline.
Comment: In summary, the available evidence is currently insufficient to determine the role of this variant in disease. Therefore, it has been classified as a Variant of Uncertain Significance. Algorithms developed to predict the effect of missense changes on protein structure and function are either unavailable or do not agree on the potential impact of this missense change (SIFT: "Deleterious"; PolyPhen-2: "Not Available"; Align-GVGD: "Class C0"). This variant has not been reported in the literature in individuals affected with RIN2-related conditions. This variant is not present in population databases (gnomAD no frequency). This sequence change replaces arginine, which is basic and polar, with glycine, which is neutral and non-polar, at codon 89 of the RIN2 protein (p.Arg89Gly).

NM_018993.4(RIN2):c.265C>G (p.Arg89Gly)

Gene: RIN2 (Ras and Rab interactor 2; plus strand). Cytogenetic location: 20p11.23.
Variant type: single nucleotide variant.
Coding change: c.265C>G on transcript NM_018993.4 (MANE Select); coding-DNA position 265, C replaced by G.
Protein change: p.Arg89Gly; replaces arginine 89 with glycine.
Molecular consequence: missense variant. On other transcripts: 5 prime UTR variant (1).
Genome position (GRCh38, 1-based): chr20:19,956,721, C>G. VCF-style: chr20-19956721-C-G. GRCh37 (hg19) VCF-style: chr20-19937365-C-G.
Other names: c.412C>G, p.Arg138Gly (NM_001242581.2); c.-281C>G (NM_001378238.1); short protein forms R138G, R89G.
Identifiers: ClinVar variation 2062096 (VCV002062096.4), dbSNP rs1163956426, ClinGen allele CA408356653.